The following is an entry in ClinVar:

ClinVar aggregate classification (germline): Likely benign (0 of 4 stars; one submission).

Conditions:
APC-related disorder. Also called: APC-related condition.

Submission:

PreventionGenetics, part of Exact Sciences
Classification: Likely benign for APC-related condition. Last evaluated: 2024-06-17. Review status: no assertion criteria provided. Collection method: clinical testing. Allele origin: germline.
Comment: This variant is classified as likely benign based on ACMG/AMP sequence variant interpretation guidelines (Richards et al. 2015 PMID: 25741868, with internal and published modifications).

NM_001127511.3(APC):c.166-28542G>A

Gene: APC (APC regulator of Wnt signaling pathway; plus strand). Cytogenetic location: 5q22.2.
Variant type: single nucleotide variant.
Coding change: c.166-28542G>A on transcript NM_001127511.3; 28542 bases into the intron before coding-DNA position 166, G replaced by A.
Molecular consequence: intron variant.
Genome position (GRCh38, 1-based): chr5:112,737,784, G>A. VCF-style: chr5-112737784-G-A. GRCh37 (hg19) VCF-style: chr5-112073481-G-A.
Other names: c.-1053-17089G>A (NM_001407470.1, NM_001407472.1); c.-18-17089G>A (NM_001407447.1, NM_001354895.2, NM_001407456.1 and 7 more transcripts); c.166-28542G>A (NM_001407446.1, NM_001354897.2, NM_001354902.2); c.-42-28542G>A (NM_001407453.1).
Identifiers: ClinVar variation 3349851 (VCV003349851.1).